The following is an entry in ClinVar:

NM_004484.4(GPC3):c.305T>C (p.Phe102Ser)

Gene: GPC3 (glypican 3; minus strand). Cytogenetic location: Xq26.2.
Variant type: single nucleotide variant.
Coding change: c.305T>C on transcript NM_004484.4 (MANE Select); coding-DNA position 305, T replaced by C.
Protein change: p.Phe102Ser; replaces phenylalanine 102 with serine.
Molecular consequence: missense variant. On other transcripts: intron variant (2).
Genome position (GRCh38, 1-based): chrX:133,953,082, A>G on the plus strand (T>C on the coding strand, the complement: GPC3 is on the minus strand). VCF-style: chrX-133953082-A-G. GRCh37 (hg19) VCF-style: chrX-133087109-A-G.
Other names: c.305T>C, p.Phe102Ser (NM_001164617.2); c.175+32193T>C (NM_001164619.2); c.289+16T>C (NM_001164618.2); short protein forms F102S.
Identifiers: ClinVar variation 568512 (VCV000568512.11), dbSNP rs1569458691, ClinGen allele CA414707331.

ClinVar aggregate classification (germline): Uncertain significance (1 of 4 stars; one submission).

Conditions:
Wilms tumor 1 (WT1). Also called: Wilms tumor, somatic. Identifiers: Orphanet 654, MedGen CN033288, MONDO:0008679, OMIM 194070.

Submission:

Labcorp Genetics (formerly Invitae), Labcorp
Classification: Uncertain significance for Wilms tumor 1. Last evaluated: 2023-08-10. Review status: criteria provided, single submitter. Criteria: Invitae Variant Classification Sherloc (09022015). Collection method: clinical testing. Allele origin: germline.
Comment: In summary, the available evidence is currently insufficient to determine the role of this variant in disease. Therefore, it has been classified as a Variant of Uncertain Significance. This variant has not been reported in the literature in individuals affected with GPC3-related conditions. Advanced modeling of protein sequence and biophysical properties (such as structural, functional, and spatial information, amino acid conservation, physicochemical variation, residue mobility, and thermodynamic stability) performed at Invitae indicates that this missense variant is not expected to disrupt GPC3 protein function. ClinVar contains an entry for this variant (Variation ID: 568512). This variant is not present in population databases (gnomAD no frequency). This sequence change replaces phenylalanine, which is neutral and non-polar, with serine, which is neutral and polar, at codon 102 of the GPC3 protein (p.Phe102Ser).